The following is an entry in ClinVar:

ClinVar aggregate classification (germline): Likely benign (0 of 4 stars; one submission).

Conditions:
FRZB-related disorder. Also called: FRZB-related condition.

Allele frequency attached by ClinVar (database versions not stated): TOPMed 0.00001; gnomAD 0.00007; ExAC 0.00009; 1000 Genomes Project 0.00040; 1000 Genomes Project 30x 0.00047.
gnomAD v4.1: 86 of 1,614,248 alleles (0.0053%); highest among the groups gnomAD compares: South Asian, 0.091%; 1 homozygote.

Submission:

PreventionGenetics, part of Exact Sciences
Classification: Likely benign for FRZB-related condition. Last evaluated: 2019-06-27. Review status: no assertion criteria provided. Collection method: clinical testing. Allele origin: germline.
Comment: This variant is classified as likely benign based on ACMG/AMP sequence variant interpretation guidelines (Richards et al. 2015 PMID: 25741868, with internal and published modifications).

NM_001463.4(FRZB):c.234C>T (p.Thr78=)

Gene: FRZB (frizzled related protein; minus strand). Cytogenetic location: 2q32.1.
Variant type: single nucleotide variant.
Coding change: c.234C>T on transcript NM_001463.4 (MANE Select); coding-DNA position 234, C replaced by T.
Protein change: p.Thr78=; no amino-acid change (threonine 78 retained).
Molecular consequence: synonymous variant.
Genome position (GRCh38, 1-based): chr2:182,866,319, G>A on the plus strand (C>T on the coding strand, the complement: FRZB is on the minus strand). VCF-style: chr2-182866319-G-A. GRCh37 (hg19) VCF-style: chr2-183731047-G-A.
Identifiers: ClinVar variation 3043566 (VCV003043566.2), dbSNP rs541564082, ClinGen allele CA2014078.